The following is an entry in ClinVar:

ClinVar aggregate classification (germline): Uncertain significance (1 of 4 stars; one submission).

Allele frequency attached by ClinVar (database versions not stated): ExAC 0.00001; gnomAD exomes 0.00001; TOPMed 0.00001.
gnomAD v4.1: 15 of 1,610,144 alleles (0.00093%); highest among the groups gnomAD compares: Middle Eastern, 0.017%; no homozygotes.

Submission:

Labcorp Genetics (formerly Invitae), Labcorp
Classification: Uncertain significance. Last evaluated: 2022-10-17. Review status: criteria provided, single submitter. Criteria: Invitae Variant Classification Sherloc (09022015). Collection method: clinical testing. Allele origin: germline.
Comment: Advanced modeling of protein sequence and biophysical properties (such as structural, functional, and spatial information, amino acid conservation, physicochemical variation, residue mobility, and thermodynamic stability) performed at Invitae indicates that this missense variant is not expected to disrupt ITGA8 protein function. This variant has not been reported in the literature in individuals affected with ITGA8-related conditions. This variant is present in population databases (rs778691547, gnomAD 0.003%). This sequence change replaces glutamic acid, which is acidic and polar, with lysine, which is basic and polar, at codon 928 of the ITGA8 protein (p.Glu928Lys). In summary, the available evidence is currently insufficient to determine the role of this variant in disease. Therefore, it has been classified as a Variant of Uncertain Significance.

NM_003638.3(ITGA8):c.2782G>A (p.Glu928Lys)

Gene: ITGA8 (integrin subunit alpha 8; minus strand). Cytogenetic location: 10p13.
Variant type: single nucleotide variant.
Coding change: c.2782G>A on transcript NM_003638.3 (MANE Select); coding-DNA position 2782, G replaced by A.
Protein change: p.Glu928Lys; replaces glutamic acid 928 with lysine.
Molecular consequence: missense variant.
Genome position (GRCh38, 1-based): chr10:15,548,553, C>T on the plus strand (G>A on the coding strand, the complement: ITGA8 is on the minus strand). VCF-style: chr10-15548553-C-T. GRCh37 (hg19) VCF-style: chr10-15590552-C-T.
Other names: c.2737G>A, p.Glu913Lys (NM_001291494.2); short protein forms E913K, E928K.
Identifiers: ClinVar variation 1927424 (VCV001927424.5), dbSNP rs778691547, ClinGen allele CA5419725.
Genomic context (GRCh38, chr10:15,548,553, plus strand): 5'-TCAGGACTGCGCTTTCTCCTCCTTCGAGTCGTCCCACTGCACAGGAGATTTGTAAACACT[C>T]GATATTTGTACAATTCTGCAAACAGCAGTGGGAACACGTCAGAGTCTTTAAATCATGGTA-3'
Protein context (NP_003629.2, residues 918-938): PAKILNCTNI[Glu928Lys]CLQISCAVGR